The following is an entry in ClinVar:

NM_001165963.4(SCN1A):c.3218T>C (p.Leu1073Pro)

Genes: SCN1A (sodium voltage-gated channel alpha subunit 1; minus strand), LOC102724058 (uncharacterized LOC102724058; plus strand). Cytogenetic location: 2q24.3.
Variant type: single nucleotide variant.
Coding change: c.3218T>C on transcript NM_001165963.4 (MANE Select); coding-DNA position 3218, T replaced by C.
Protein change: p.Leu1073Pro; replaces leucine 1073 with proline.
Molecular consequence: missense variant. On other transcripts: non-coding transcript variant (2).
Genome position (GRCh38, 1-based): chr2:166,036,259, A>G on the plus strand (T>C on the coding strand, the complement: SCN1A is on the minus strand). VCF-style: chr2-166036259-A-G. GRCh37 (hg19) VCF-style: chr2-166892769-A-G.
Other names: c.3134T>C, p.Leu1045Pro (NM_001165964.3, NM_001353957.2, NM_001353958.2); c.3218T>C, p.Leu1073Pro (NM_001202435.3, NM_001353948.2); c.3185T>C, p.Leu1062Pro (NM_001353949.2, NM_001353950.2, NM_001353951.2 and 2 more transcripts); c.3182T>C, p.Leu1061Pro (NM_001353954.2, NM_001353955.2); c.3131T>C, p.Leu1044Pro (NM_001353960.2); c.776T>C, p.Leu259Pro (NM_001353961.2); short protein forms L1044P, L1062P, L1073P, L1061P, L1045P, L259P.
Identifiers: ClinVar variation 3718677 (VCV003718677.2).

ClinVar aggregate classification (germline): Uncertain significance (1 of 4 stars; one submission).

Conditions:
Early-infantile DEE. Also called: Ohtahara syndrome; Early infantile epileptic encephalopathy with suppression bursts; Early infantile epileptic encephalopathy. Identifiers: Orphanet 1934, MedGen C0393706, MONDO:0800491.

Submission:

Labcorp Genetics (formerly Invitae), Labcorp
Classification: Uncertain significance for Early-infantile DEE. Last evaluated: 2024-10-04. Review status: criteria provided, single submitter. Criteria: Invitae Variant Classification Sherloc (09022015). Collection method: clinical testing. Allele origin: germline.
Comment: This sequence change replaces leucine, which is neutral and non-polar, with proline, which is neutral and non-polar, at codon 1073 of the SCN1A protein (p.Leu1073Pro). This variant is not present in population databases (gnomAD no frequency). This variant has not been reported in the literature in individuals affected with SCN1A-related conditions. Invitae Evidence Modeling of protein sequence and biophysical properties (such as structural, functional, and spatial information, amino acid conservation, physicochemical variation, residue mobility, and thermodynamic stability) indicates that this missense variant is not expected to disrupt SCN1A protein function with a negative predictive value of 95%. In summary, the available evidence is currently insufficient to determine the role of this variant in disease. Therefore, it has been classified as a Variant of Uncertain Significance.